The following is an entry in ClinVar:

NM_130810.4(DNAAF4):c.697C>T (p.Arg233Cys)

Genes: DNAAF4 (dynein axonemal assembly factor 4; minus strand), DNAAF4-CCPG1 (DNAAF4-CCPG1 readthrough (NMD candidate); minus strand). Cytogenetic location: 15q21.3.
Variant type: single nucleotide variant.
Coding change: c.697C>T on transcript NM_130810.4 (MANE Select); coding-DNA position 697, C replaced by T.
Protein change: p.Arg233Cys; replaces arginine 233 with cysteine.
Molecular consequence: missense variant. On other transcripts: non-coding transcript variant (1).
Genome position (GRCh38, 1-based): chr15:55,450,308, G>A on the plus strand (C>T on the coding strand, the complement: DNAAF4 is on the minus strand). VCF-style: chr15-55450308-G-A. GRCh37 (hg19) VCF-style: chr15-55742506-G-A.
Other names: c.697C>T, p.Arg233Cys (NM_001033559.3, NM_001033560.2); short protein forms R233C.
Identifiers: ClinVar variation 454962 (VCV000454962.11), dbSNP rs530669133, ClinGen allele CA7574978.

ClinVar aggregate classification (germline): Uncertain significance (1 of 4 stars; one submission).

Allele frequency attached by ClinVar (database versions not stated): gnomAD exomes below 0.00001 and 0.00001; 1000 Genomes Project 0.00040; TOPMed below 0.00001; gnomAD 0.00001 and 0.00003; ExAC 0.00002; 1000 Genomes Project 30x 0.00047.

Submission:

Labcorp Genetics (formerly Invitae), Labcorp
Classification: Uncertain significance. Last evaluated: 2018-03-14. Review status: criteria provided, single submitter. Criteria: Invitae Variant Classification Sherloc (09022015). Collection method: clinical testing. Allele origin: germline.
Comment: This sequence change replaces arginine with cysteine at codon 233 of the DYX1C1 protein (p.Arg233Cys). The arginine residue is highly conserved and there is a large physicochemical difference between arginine and cysteine. This variant is present in population databases (rs530669133, ExAC 0.009%). This variant has not been reported in the literature in individuals with DYX1C1-related disease. Algorithms developed to predict the effect of missense changes on protein structure and function (SIFT, PolyPhen-2, Align-GVGD) all suggest that this variant is likely to be disruptive, but these predictions have not been confirmed by published functional studies and their clinical significance is uncertain. In summary, the available evidence is currently insufficient to determine the role of this variant in disease. Therefore, it has been classified as a Variant of Uncertain Significance.